The following is an entry in ClinVar:

NM_002769.5(PRSS1):c.107C>G (p.Pro36Arg)

Genes: TRB (T cell receptor beta locus; plus strand), PRSS1 (serine protease 1; plus strand). Cytogenetic location: 7q34.
Variant type: single nucleotide variant.
Coding change: c.107C>G on transcript NM_002769.5 (MANE Select); coding-DNA position 107, C replaced by G.
Protein change: p.Pro36Arg; replaces proline 36 with arginine.
Molecular consequence: missense variant.
Genome position (GRCh38, 1-based): chr7:142,750,621, C>G. VCF-style: chr7-142750621-C-G. GRCh37 (hg19) VCF-style: chr7-142458472-C-G.
Other names: short protein forms P36R.
Identifiers: ClinVar variation 459181 (VCV000459181.17), dbSNP rs769459903, ClinGen allele CA4529678.

ClinVar aggregate classification (germline): Uncertain significance. Review status: criteria provided, multiple submitters, no conflicts (2 of 4 stars). 3 submissions from 3 submitters: Uncertain significance (3). Last evaluated 2026-04-20.

Conditions:
Hereditary pancreatitis (PCTT). Also called: Hereditary chronic pancreatitis; PRSS1-Related Hereditary Pancreatitis. Identifiers: Orphanet 676, MedGen C0238339, MONDO:0008185, OMIM 167800.
Trypsinogen deficiency. Identifiers: MedGen C0268417, MONDO:0013543, OMIM 614044.

Allele frequency attached by ClinVar (database versions not stated): 1000 Genomes Project 30x 0.00016; ExAC 0.00010; gnomAD 0.00005; gnomAD exomes 0.00010.

Submissions (3):

Ambry Genetics
Classification: Uncertain significance for Hereditary pancreatitis. Last evaluated: 2026-04-20. Review status: criteria provided, single submitter. Criteria: Ambry Variant Classification Scheme 2023. Collection method: clinical testing. Allele origin: germline.
Comment: The p.P36R variant (also known as c.107C>G), located in coding exon 2 of the PRSS1 gene, results from a C to G substitution at nucleotide position 107. The proline at codon 36 is replaced by arginine, an amino acid with dissimilar properties. This alteration has been identified in individuals with idiopathic chronic pancreatitis (Masson E et al. PLoS One 2013 Aug;8(8):e73522; Chen JM et al. Eur J Hum Genet 2000 Jul;8(7):473-9) as well as in individuals with diabetes identified from a cohort of adults undergoing whole genome sequencing to determine risk for chronic illness (Perkins BA et al. Proc Natl Acad Sci U S A 2018 04;115(14):3686-3691). This amino acid position is well conserved in available vertebrate species. In addition, this alteration is predicted to be deleterious by in silico analysis. Since supporting evidence is limited at this time, the clinical significance of this alteration remains unclear.

Labcorp Genetics (formerly Invitae), Labcorp
Classification: Uncertain significance for Hereditary pancreatitis. Last evaluated: 2025-12-09. Review status: criteria provided, single submitter. Criteria: Invitae Variant Classification Sherloc (09022015). Collection method: clinical testing. Allele origin: germline.
Comment: This sequence change replaces proline, which is neutral and non-polar, with arginine, which is basic and polar, at codon 36 of the PRSS1 protein (p.Pro36Arg). The frequency data for this variant in the population databases is considered unreliable, as metrics indicate poor data quality at this position in the gnomAD database. This missense change has been observed in individual(s) with pancreatitis and diabetes (PMID: 16791840, 23951356, 29555771). ClinVar contains an entry for this variant (Variation ID: 459181). Invitae Evidence Modeling of protein sequence and biophysical properties (such as structural, functional, and spatial information, amino acid conservation, physicochemical variation, residue mobility, and thermodynamic stability) indicates that this missense variant is not expected to disrupt PRSS1 protein function with a negative predictive value of 80%. Experimental studies have shown that this missense change affects PRSS1 function (PMID: 23455445). In summary, the available evidence is currently insufficient to determine the role of this variant in disease. Therefore, it has been classified as a Variant of Uncertain Significance.

Fulgent Genetics
Classification: Uncertain significance for Hereditary pancreatitis; Trypsinogen deficiency. Last evaluated: 2018-10-31. Review status: criteria provided, single submitter. Criteria: ACMG Guidelines, 2015. Collection method: clinical testing. Allele origin: unknown.

Literature cited by the submitters: PubMed 16791840 (cited by Labcorp Genetics (formerly Invitae), Labcorp); PubMed 23951356 (cited by Labcorp Genetics (formerly Invitae), Labcorp); PubMed 29555771 (cited by Labcorp Genetics (formerly Invitae), Labcorp); PubMed 23455445 (cited by Labcorp Genetics (formerly Invitae), Labcorp).